The following is an entry in ClinVar:

NM_001458.5(FLNC):c.5810T>A (p.Ile1937Asn)

Genes: FLNC (filamin C; plus strand), FLNC-AS1 (FLNC antisense RNA 1; minus strand). Cytogenetic location: 7q32.1.
Variant type: single nucleotide variant.
Coding change: c.5810T>A on transcript NM_001458.5 (MANE Select); coding-DNA position 5810, T replaced by A.
Protein change: p.Ile1937Asn; replaces isoleucine 1937 with asparagine.
Molecular consequence: missense variant.
Genome position (GRCh38, 1-based): chr7:128,851,596, T>A. VCF-style: chr7-128851596-T-A. GRCh37 (hg19) VCF-style: chr7-128491650-T-A.
Other names: c.5711T>A, p.Ile1904Asn (NM_001127487.2); short protein forms I1937N, I1904N.
Identifiers: ClinVar variation 636849 (VCV000636849.11), dbSNP rs1585166795, ClinGen allele CA369208548.

ClinVar aggregate classification (germline): Pathogenic/Likely pathogenic. Review status: criteria provided, multiple submitters, no conflicts (2 of 4 stars). 2 submissions from 2 submitters: Pathogenic (1); Likely pathogenic (1). Last evaluated 2024-02-05.

Conditions:
Myofibrillar myopathy 5. Also called: Filaminopathy (type); FILAMINOPATHY, AUTOSOMAL DOMINANT. Identifiers: Orphanet 171445, MedGen C1836050, MONDO:0012289, OMIM 609524.
Hypertrophic cardiomyopathy 26. Also called: Cardiomyopathy, familial hypertrophic, 26. Identifiers: Orphanet 75249, MedGen C4310749, MONDO:0014883, OMIM 617047.
Distal myopathy with posterior leg and anterior hand involvement. Also called: WILLIAMS DISTAL MYOPATHY. Identifiers: Orphanet 63273, MedGen C3279722, MONDO:0013550, OMIM 614065.
FLNC-related disorder. Also called: FLNC-related disorders; FLNC-related condition.

Submissions (2):

Labcorp Genetics (formerly Invitae), Labcorp
Classification: Pathogenic for Distal myopathy with posterior leg and anterior hand involvement; Myofibrillar myopathy 5; Hypertrophic cardiomyopathy 26. Last evaluated: 2024-02-05. Review status: criteria provided, single submitter. Criteria: Invitae Variant Classification Sherloc (09022015). Collection method: clinical testing. Allele origin: germline.
Comment: This sequence change replaces isoleucine, which is neutral and non-polar, with asparagine, which is neutral and polar, at codon 1937 of the FLNC protein (p.Ile1937Asn). This variant is not present in population databases (gnomAD no frequency). This missense change has been observed in individual(s) with hypertrophic cardiomyopathy (PMID: 33673806, 36864778). It has also been observed to segregate with disease in related individuals. ClinVar contains an entry for this variant (Variation ID: 636849). Advanced modeling of protein sequence and biophysical properties (such as structural, functional, and spatial information, amino acid conservation, physicochemical variation, residue mobility, and thermodynamic stability) has been performed at Invitae for this missense variant, however the output from this modeling did not meet the statistical confidence thresholds required to predict the impact of this variant on FLNC protein function. For these reasons, this variant has been classified as Pathogenic.

Blueprint Genetics
Classification: Likely pathogenic for FLNC-related disorders. Last evaluated: 2022-11-29. Review status: criteria provided, single submitter. Criteria: ACMG Guidelines, 2015. Collection method: clinical testing. Allele origin: germline. Affected: yes. Observed: 5 variant alleles.

Literature cited by the submitters: PubMed 33673806 (cited by Labcorp Genetics (formerly Invitae), Labcorp); PubMed 36864778 (cited by Labcorp Genetics (formerly Invitae), Labcorp).